The following is an entry in ClinVar:

NM_030662.3(MAP2K2):c.-419C>A

Gene: MAP2K2 (mitogen-activated protein kinase kinase 2; minus strand). Cytogenetic location: 19p13.3.
Variant type: single nucleotide variant.
Coding change: c.-419C>A on transcript NM_030662.3; 419 bases upstream of the start codon, C replaced by A.
Genome position (GRCh38, 1-based): chr19:4,124,294, G>T on the plus strand (C>A on the coding strand, the complement: MAP2K2 is on the minus strand). VCF-style: chr19-4124294-G-T. GRCh37 (hg19) VCF-style: chr19-4124291-G-T.
Identifiers: ClinVar variation 561936 (VCV000561936.3), dbSNP rs144939535, ClinGen allele CA304449545.

ClinVar aggregate classification (germline): Likely benign (1 of 4 stars; one submission).

Allele frequency attached by ClinVar (database versions not stated): gnomAD 0.00300; TOPMed 0.00333; 1000 Genomes Project 0.00379; 1000 Genomes Project 30x 0.00359.

Submission:

GeneDx
Classification: Likely benign. Last evaluated: 2018-06-19. Review status: criteria provided, single submitter. Criteria: GeneDx Variant Classification (06012015). Collection method: clinical testing. Allele origin: germline. Affected: yes.
Comment: This variant is considered likely benign or benign based on one or more of the following criteria: it is a conservative change, it occurs at a poorly conserved position in the protein, it is predicted to be benign by multiple in silico algorithms, and/or has population frequency not consistent with disease.